The following is an entry in ClinVar:

ClinVar aggregate classification (germline): Uncertain significance (1 of 4 stars; one submission).

Allele frequency attached by ClinVar (database versions not stated): ExAC 0.00001; gnomAD exomes 0.00001.
gnomAD v4.1: 5 of 1,595,422 alleles (0.00031%); highest among the groups gnomAD compares: South Asian, 0.0023%; no homozygotes.

Submission:

Ambry Genetics
Classification: Uncertain significance. Last evaluated: 2023-01-12. Review status: criteria provided, single submitter. Criteria: Ambry Variant Classification Scheme 2023. Collection method: clinical testing. Allele origin: germline.
Comment: The p.Y1971C variant (also known as c.5912A>G), located in coding exon 18 of the POLQ gene, results from an A to G substitution at nucleotide position 5912. The tyrosine at codon 1971 is replaced by cysteine, an amino acid with highly dissimilar properties. This amino acid position is conserved. In addition, the in silico prediction for this alteration is inconclusive. Since supporting evidence is limited at this time, the clinical significance of this alteration remains unclear.

NM_199420.4(POLQ):c.5912A>G (p.Tyr1971Cys)

Gene: POLQ (DNA polymerase theta; minus strand). Cytogenetic location: 3q13.33.
Variant type: single nucleotide variant.
Coding change: c.5912A>G on transcript NM_199420.4 (MANE Select); coding-DNA position 5912, A replaced by G.
Protein change: p.Tyr1971Cys; replaces tyrosine 1971 with cysteine.
Molecular consequence: missense variant.
Genome position (GRCh38, 1-based): chr3:121,483,444, T>C on the plus strand (A>G on the coding strand, the complement: POLQ is on the minus strand). VCF-style: chr3-121483444-T-C. GRCh37 (hg19) VCF-style: chr3-121202291-T-C.
Other names: short protein forms Y1971C.
Identifiers: ClinVar variation 2448976 (VCV002448976.2), dbSNP rs769321554, ClinGen allele CA2562611.